The following is an entry in ClinVar:

ClinVar aggregate classification (germline): Uncertain significance (1 of 4 stars; one submission).

Conditions:
Hereditary diffuse gastric adenocarcinoma (HDGC). Also called: DIFFUSE GASTRIC AND LOBULAR BREAST CANCER SYNDROME. Identifiers: Orphanet 26106, MedGen C1708349, MONDO:0007648, OMIM 137215.

Submission:

Labcorp Genetics (formerly Invitae), Labcorp
Classification: Uncertain significance for Hereditary diffuse gastric adenocarcinoma. Last evaluated: 2024-11-23. Review status: criteria provided, single submitter. Criteria: Invitae Variant Classification Sherloc (09022015). Collection method: clinical testing. Allele origin: germline.
Comment: This sequence change replaces histidine, which is basic and polar, with leucine, which is neutral and non-polar, at codon 45 of the CDH1 protein (p.His45Leu). This variant is not present in population databases (gnomAD no frequency). This variant has not been reported in the literature in individuals affected with CDH1-related conditions. ClinVar contains an entry for this variant (Variation ID: 945331). An algorithm developed to predict the effect of missense changes on protein structure and function outputs the following: PolyPhen-2: "Benign". The leucine amino acid residue is found in multiple mammalian species, which suggests that this missense change does not adversely affect protein function. In summary, the available evidence is currently insufficient to determine the role of this variant in disease. Therefore, it has been classified as a Variant of Uncertain Significance.

NM_004360.5(CDH1):c.134A>T (p.His45Leu)

Gene: CDH1 (cadherin 1; plus strand). Cytogenetic location: 16q22.1.
Variant type: single nucleotide variant.
Coding change: c.134A>T on transcript NM_004360.5 (MANE Select); coding-DNA position 134, A replaced by T.
Protein change: p.His45Leu; replaces histidine 45 with leucine.
Molecular consequence: missense variant. On other transcripts: 5 prime UTR variant (2).
Genome position (GRCh38, 1-based): chr16:68,738,382, A>T. VCF-style: chr16-68738382-A-T. GRCh37 (hg19) VCF-style: chr16-68772285-A-T.
Other names: c.134A>T, p.His45Leu (NM_001317184.2); c.-1482A>T (NM_001317185.2); c.-1686A>T (NM_001317186.2); short protein forms H45L.
Identifiers: ClinVar variation 945331 (VCV000945331.10), dbSNP rs1962461369, ClinGen allele CA396452197.